The following is an entry in ClinVar:

ClinVar aggregate classification (germline): Uncertain significance (1 of 4 stars; one submission).

Submission:

Laboratory for Molecular Medicine, Mass General Brigham Personalized Medicine
Classification: Uncertain significance. Last evaluated: 2016-05-18. Review status: criteria provided, single submitter. Criteria: LMM Criteria. Collection method: clinical testing. Allele origin: germline. Observed: 1 variant allele.
Comment: Variant classified as Uncertain Significance - Favor Pathogenic. The p.Leu608Val variant in MYH7 has not been previously reported in individuals with cardiomyop athy or in large population studies. This variant was predicted to be pathogenic using a computational tool clinically validated by our laboratory. This tool's pathogenic prediction is estimated to be correct 94% of the time (Jordan 2011). In summary, while there is some suspicion for a pathogenic role, the clinical si gnificance of the p.Leu608Val variant is uncertain.

NM_000257.4(MYH7):c.1822T>G (p.Leu608Val)

Gene: MYH7 (myosin heavy chain 7; minus strand). Cytogenetic location: 14q11.2.
Variant type: single nucleotide variant.
Coding change: c.1822T>G on transcript NM_000257.4 (MANE Select); coding-DNA position 1822, T replaced by G.
Protein change: p.Leu608Val; replaces leucine 608 with valine.
Molecular consequence: missense variant.
Genome position (GRCh38, 1-based): chr14:23,427,651, A>C on the plus strand (T>G on the coding strand, the complement: MYH7 is on the minus strand). VCF-style: chr14-23427651-A-C. GRCh37 (hg19) VCF-style: chr14-23896860-A-C.
Other names: short protein forms L608V.
Identifiers: ClinVar variation 505017 (VCV000505017.4), dbSNP rs1555338124, ClinGen allele CA501234.
Genomic context (GRCh38, chr14:23,427,651, plus strand): 5'-CAGCCCCAGCATAGTTGGCAAACAGGGTGCTGAGCAGCTTGAGGGAAGACTTCTGATACA[A>C]GCCCACGACAGTCTCATTGAGAGGATCCTTGTTCTTCTGCAGCCAGCCAATGATGTTGTA-3'
Protein context (NP_000248.2, residues 598-618): KDPLNETVVG[Leu608Val]YQKSSLKLLS